The following is an entry in ClinVar:

ClinVar aggregate classification (germline): Uncertain significance. Review status: criteria provided, multiple submitters, no conflicts (2 of 4 stars). 2 submissions from 2 submitters: Uncertain significance (2). Last evaluated 2026-05-21.

Conditions:
FG syndrome (FGS). Identifiers: MedGen C0220769, MONDO:0002010.
Familial thoracic aortic aneurysm and aortic dissection (TAAD). Also called: Thoracic aortic aneurysms and dissections. Identifiers: Orphanet 91387, MedGen C4707243, MONDO:0019625.

Allele frequency attached by ClinVar (database versions not stated): gnomAD exomes 0.00001.
gnomAD v4.1: 14 of 1,208,350 alleles (0.0012%); highest among the groups gnomAD compares: Admixed American, 0.0022%; no homozygotes.

Submissions (2):

Ambry Genetics
Classification: Uncertain significance for Familial thoracic aortic aneurysm and aortic dissection. Last evaluated: 2026-05-21. Review status: criteria provided, single submitter. Criteria: Ambry Variant Classification Scheme 2023. Collection method: clinical testing. Allele origin: germline.
Comment: The c.736-3T>C intronic alteration consists of a T to C substitution 3 nucleotides before coding exon 6 in the MED12 gene. This variant was not reported in population-based cohorts in the Genome Aggregation Database (gnomAD). Based on insufficient or conflicting evidence, the clinical significance of this alteration remains unclear.

Labcorp Genetics (formerly Invitae), Labcorp
Classification: Uncertain significance for FG syndrome. Last evaluated: 2022-07-26. Review status: criteria provided, single submitter. Criteria: Invitae Variant Classification Sherloc (09022015). Collection method: clinical testing. Allele origin: germline.
Comment: This variant is not present in population databases (gnomAD no frequency). This sequence change falls in intron 5 of the MED12 gene. It does not directly change the encoded amino acid sequence of the MED12 protein. It affects a nucleotide within the consensus splice site. This variant has not been reported in the literature in individuals affected with MED12-related conditions. ClinVar contains an entry for this variant (Variation ID: 1481560). Variants that disrupt the consensus splice site are a relatively common cause of aberrant splicing (PMID: 17576681, 9536098). Algorithms developed to predict the effect of sequence changes on RNA splicing suggest that this variant is not likely to affect RNA splicing. In summary, the available evidence is currently insufficient to determine the role of this variant in disease. Therefore, it has been classified as a Variant of Uncertain Significance.

Literature cited by the submitters: PubMed 17576681 (cited by Labcorp Genetics (formerly Invitae), Labcorp); PubMed 9536098 (cited by Labcorp Genetics (formerly Invitae), Labcorp).

NM_005120.3(MED12):c.736-3T>C

Gene: MED12 (mediator complex subunit 12; plus strand). Cytogenetic location: Xq13.1.
Variant type: single nucleotide variant.
Coding change: c.736-3T>C on transcript NM_005120.3 (MANE Select); 3 bases into the intron before coding-DNA position 736, T replaced by C.
Molecular consequence: intron variant.
Genome position (GRCh38, 1-based): chrX:71,121,324, T>C. VCF-style: chrX-71121324-T-C. GRCh37 (hg19) VCF-style: chrX-70341174-T-C.
Other names: c.736-3T>C (NM_005120.2).
Identifiers: ClinVar variation 1481560 (VCV001481560.7), dbSNP rs2092288995, ClinGen allele CA2436352522.